The following is an entry in ClinVar:

NM_206937.2(LIG4):c.1974A>G (p.Ile658Met)

Gene: LIG4 (DNA ligase 4; minus strand). Cytogenetic location: 13q33.3.
Variant type: single nucleotide variant.
Coding change: c.1974A>G on transcript NM_206937.2 (MANE Select); coding-DNA position 1974, A replaced by G.
Protein change: p.Ile658Met; replaces isoleucine 658 with methionine.
Molecular consequence: missense variant.
Genome position (GRCh38, 1-based): chr13:108,209,295, T>C on the plus strand (A>G on the coding strand, the complement: LIG4 is on the minus strand). VCF-style: chr13-108209295-T-C. GRCh37 (hg19) VCF-style: chr13-108861643-T-C.
Other names: c.1974A>G, p.Ile658Met (NM_001098268.2, NM_001352598.2, NM_001352599.2 and 6 more transcripts); c.1773A>G, p.Ile591Met (NM_001330595.2); c.2010A>G, p.Ile670Met (NM_001352604.2); short protein forms I658M, I670M, I591M.
Identifiers: ClinVar variation 2058086 (VCV002058086.1), dbSNP rs139713386, ClinGen allele CA7043572.

ClinVar aggregate classification (germline): Uncertain significance (1 of 4 stars; one submission).

Conditions:
DNA ligase IV deficiency. Identifiers: Orphanet 99812, MedGen C1847827, MONDO:0011686, OMIM 606593.

Allele frequency attached by ClinVar (database versions not stated): ExAC 0.00001; gnomAD exomes 0.00001; gnomAD 0.00003; TOPMed 0.00003; ESP Exome Variant Server 0.00008.
gnomAD v4.1: 16 of 1,614,006 alleles (0.00099%); highest among the groups gnomAD compares: African/African-American, 0.019%; no homozygotes.

Submission:

Labcorp Genetics (formerly Invitae), Labcorp
Classification: Uncertain significance for DNA ligase IV deficiency. Last evaluated: 2022-06-22. Review status: criteria provided, single submitter. Criteria: Invitae Variant Classification Sherloc (09022015). Collection method: clinical testing. Allele origin: germline.
Comment: This sequence change replaces isoleucine, which is neutral and non-polar, with methionine, which is neutral and non-polar, at codon 658 of the LIG4 protein (p.Ile658Met). The frequency data for this variant in the population databases is considered unreliable, as metrics indicate poor data quality at this position in the gnomAD database. This variant has not been reported in the literature in individuals affected with LIG4-related conditions. Algorithms developed to predict the effect of missense changes on protein structure and function output the following: SIFT: "Tolerated"; PolyPhen-2: "Benign"; Align-GVGD: "Class C0". The methionine amino acid residue is found in multiple mammalian species, which suggests that this missense change does not adversely affect protein function. In summary, the available evidence is currently insufficient to determine the role of this variant in disease. Therefore, it has been classified as a Variant of Uncertain Significance.